The following is an entry in ClinVar:

ClinVar aggregate classification (germline): Likely benign. Review status: criteria provided, multiple submitters, no conflicts (2 of 4 stars). 2 submissions from 2 submitters: Likely benign (2). Last evaluated 2025-01-01.

Allele frequency attached by ClinVar (database versions not stated): gnomAD exomes 0.00001; ExAC 0.00001.
gnomAD v4.1: 12 of 1,613,732 alleles (0.00074%); highest among the groups gnomAD compares: East Asian, 0.0067%; no homozygotes.

Submissions (2):

CeGaT Center for Human Genetics Tuebingen
Classification: Likely benign. Last evaluated: 2025-01-01. Review status: criteria provided, single submitter. Criteria: CeGaT Center For Human Genetics Tuebingen Variant Classification Criteria Version 2. Collection method: clinical testing. Allele origin: germline. Affected: yes. Observed: 1 variant allele.
Comment: MYT1L: BP4, BP7

Labcorp Genetics (formerly Invitae), Labcorp
Classification: Likely benign. Last evaluated: 2017-12-11. Review status: criteria provided, single submitter. Criteria: Invitae Variant Classification Sherloc (09022015). Collection method: clinical testing. Allele origin: germline.

NM_001303052.2(MYT1L):c.2346G>A (p.Pro782=)

Gene: MYT1L (myelin transcription factor 1 like; minus strand). Cytogenetic location: 2p25.3.
Variant type: single nucleotide variant.
Coding change: c.2346G>A on transcript NM_001303052.2 (MANE Select); coding-DNA position 2346, G replaced by A.
Protein change: p.Pro782=; no amino-acid change (proline 782 retained).
Molecular consequence: synonymous variant.
Genome position (GRCh38, 1-based): chr2:1,889,415, C>T on the plus strand (G>A on the coding strand, the complement: MYT1L is on the minus strand). VCF-style: chr2-1889415-C-T. GRCh37 (hg19) VCF-style: chr2-1893187-C-T.
Other names: c.2346G>A, p.Pro782= (NM_001329844.2, NM_001329845.1, NM_001329851.3); c.2340G>A, p.Pro780= (NM_001329846.3, NM_001329847.2, NM_001329848.1 and 3 more transcripts).
Identifiers: ClinVar variation 731203 (VCV000731203.16), dbSNP rs557858474, ClinGen allele CA1514050.
Genomic context (GRCh38, chr2:1,889,415, plus strand): 5'-TGCCTGCTGCTGGGGGGACATGGGCTCCAGAGGGGTCAGGATGGGGCAGCAGCTGTCCCG[C>T]GGCCTCTGCTTGTTCATGCTGAGGTCCAGGGTCCCGTTCTCATCCACCTCCATGTCAGGG-3'
Protein context (NP_001289981.1, residues 772-792): TLDLSMNKQR[Pro782=]RDSCCPILTP